The following is an entry in ClinVar:

NM_001737.5(C9):c.407G>A (p.Ser136Asn)

Gene: C9 (complement C9; minus strand). Cytogenetic location: 5p13.1.
Variant type: single nucleotide variant.
Coding change: c.407G>A on transcript NM_001737.5 (MANE Select); coding-DNA position 407, G replaced by A.
Protein change: p.Ser136Asn; replaces serine 136 with asparagine.
Molecular consequence: missense variant.
Genome position (GRCh38, 1-based): chr5:39,341,215, C>T on the plus strand (G>A on the coding strand, the complement: C9 is on the minus strand). VCF-style: chr5-39341215-C-T. GRCh37 (hg19) VCF-style: chr5-39341317-C-T.
Other names: short protein forms S136N.
Identifiers: ClinVar variation 1414202 (VCV001414202.5), dbSNP rs200040673, ClinGen allele CA3247026.

ClinVar aggregate classification (germline): Uncertain significance (1 of 4 stars; one submission).

Allele frequency attached by ClinVar (database versions not stated): gnomAD 0.00024 and 0.00025; TOPMed 0.00049; 1000 Genomes Project 0.00100; 1000 Genomes Project 30x 0.00109.
gnomAD v4.1: 77 of 1,614,192 alleles (0.0048%); highest among the groups gnomAD compares: Admixed American, 0.063%; no homozygotes.

Submission:

Labcorp Genetics (formerly Invitae), Labcorp
Classification: Uncertain significance. Last evaluated: 2022-07-12. Review status: criteria provided, single submitter. Criteria: Invitae Variant Classification Sherloc (09022015). Collection method: clinical testing. Allele origin: germline.
Comment: This sequence change replaces serine, which is neutral and polar, with asparagine, which is neutral and polar, at codon 136 of the C9 protein (p.Ser136Asn). This variant is present in population databases (rs200040673, gnomAD 0.01%). This variant has not been reported in the literature in individuals affected with C9-related conditions. ClinVar contains an entry for this variant (Variation ID: 1414202). Algorithms developed to predict the effect of missense changes on protein structure and function output the following: SIFT: "Not Available"; PolyPhen-2: "Benign"; Align-GVGD: "Not Available". The asparagine amino acid residue is found in multiple mammalian species, which suggests that this missense change does not adversely affect protein function. In summary, the available evidence is currently insufficient to determine the role of this variant in disease. Therefore, it has been classified as a Variant of Uncertain Significance.